The following is an entry in ClinVar:

ClinVar aggregate classification (germline): Uncertain significance (1 of 4 stars; one submission).

Conditions:
Vici syndrome (VICIS). Identifiers: Orphanet 1493, MedGen C1855772, MONDO:0009452, OMIM 242840.

Allele frequency attached by ClinVar (database versions not stated): gnomAD exomes 0.00001; ExAC 0.00002.
gnomAD v4.1: 3 of 1,614,024 alleles (0.00019%); highest among the groups gnomAD compares: Admixed American, 0.005%; no homozygotes.

Submission:

Labcorp Genetics (formerly Invitae), Labcorp
Classification: Uncertain significance for Vici syndrome. Last evaluated: 2020-07-09. Review status: criteria provided, single submitter. Criteria: Invitae Variant Classification Sherloc (09022015). Collection method: clinical testing. Allele origin: germline.
Comment: In summary, the available evidence is currently insufficient to determine the role of this variant in disease. Therefore, it has been classified as a Variant of Uncertain Significance. Algorithms developed to predict the effect of missense changes on protein structure and function are either unavailable or do not agree on the potential impact of this missense change (SIFT: "Tolerated"; PolyPhen-2: "Probably Damaging"; Align-GVGD: "Class C0"). This variant has not been reported in the literature in individuals with EPG5-related conditions. This variant is present in population databases (rs749548903, ExAC 0.02%). This sequence change replaces glycine with valine at codon 1379 of the EPG5 protein (p.Gly1379Val). The glycine residue is moderately conserved and there is a moderate physicochemical difference between glycine and valine.

NM_020964.3(EPG5):c.4136G>T (p.Gly1379Val)

Gene: EPG5 (ectopic P-granules 5 autophagy tethering factor; minus strand). Cytogenetic location: 18q21.1.
Variant type: single nucleotide variant.
Coding change: c.4136G>T on transcript NM_020964.3 (MANE Select); coding-DNA position 4136, G replaced by T.
Protein change: p.Gly1379Val; replaces glycine 1379 with valine.
Molecular consequence: missense variant.
Genome position (GRCh38, 1-based): chr18:45,910,590, C>A on the plus strand (G>T on the coding strand, the complement: EPG5 is on the minus strand). VCF-style: chr18-45910590-C-A. GRCh37 (hg19) VCF-style: chr18-43490555-C-A.
Other names: short protein forms G1379V.
Identifiers: ClinVar variation 1051679 (VCV001051679.10), dbSNP rs749548903, ClinGen allele CA8948977.